The following is an entry in ClinVar:

NM_001430.5(EPAS1):c.581A>G (p.His194Arg)

Genes: EPAS1 (endothelial PAS domain protein 1; plus strand), LOC126806210 (BRD4-independent group 4 enhancer GRCh37_chr2:46587586-46588785; plus strand). Cytogenetic location: 2p21.
Variant type: single nucleotide variant.
Coding change: c.581A>G on transcript NM_001430.5 (MANE Select); coding-DNA position 581, A replaced by G.
Protein change: p.His194Arg; replaces histidine 194 with arginine.
Molecular consequence: missense variant.
Genome position (GRCh38, 1-based): chr2:46,360,892, A>G. VCF-style: chr2-46360892-A-G. GRCh37 (hg19) VCF-style: chr2-46588031-A-G.
Other names: short protein forms H194R.
Identifiers: ClinVar variation 3664816 (VCV003664816.2).

ClinVar aggregate classification (germline): Uncertain significance (1 of 4 stars; one submission).

gnomAD v4.1: 147 of 1,614,116 alleles (0.0091%); highest among the groups gnomAD compares: Admixed American, 0.24%; 19 homozygotes.

Submission:

Labcorp Genetics (formerly Invitae), Labcorp
Classification: Uncertain significance. Last evaluated: 2025-06-03. Review status: criteria provided, single submitter. Criteria: Invitae Variant Classification Sherloc (09022015). Collection method: clinical testing. Allele origin: germline.
Comment: This sequence change replaces histidine, which is basic and polar, with arginine, which is basic and polar, at codon 194 of the EPAS1 protein (p.His194Arg). This variant is present in population databases (rs570553380, gnomAD 0.06%), and has an allele count higher than expected for a pathogenic variant. This missense change has been observed in individual(s) with low hematocrit (PMID: 38335297). ClinVar contains an entry for this variant (Variation ID: 3664816). An algorithm developed to predict the effect of missense changes on protein structure and function (PolyPhen-2) suggests that this variant is likely to be tolerated. Experimental studies have shown that this missense change affects EPAS1 function (PMID: 33300499, 37463421). In summary, the available evidence is currently insufficient to determine the role of this variant in disease. Therefore, it has been classified as a Variant of Uncertain Significance.

Literature cited by the submitters: PubMed 38335297; PubMed 33300499; PubMed 37463421.